The following is an entry in ClinVar:

NM_006493.4(CLN5):c.118G>C (p.Gly40Arg)

Genes: CLN5 (CLN5 lysosomal BMP synthase; plus strand), LOC130009913 (ATAC-STARR-seq lymphoblastoid silent region 5414; plus strand). Cytogenetic location: 13q22.3.
Variant type: single nucleotide variant.
Coding change: c.118G>C on transcript NM_006493.4 (MANE Select); coding-DNA position 118, G replaced by C.
Protein change: p.Gly40Arg; replaces glycine 40 with arginine.
Molecular consequence: missense variant.
Genome position (GRCh38, 1-based): chr13:76,992,216, G>C. VCF-style: chr13-76992216-G-C. GRCh37 (hg19) VCF-style: chr13-77566351-G-C.
Other names: c.118G>C, p.Gly40Arg (NM_001366624.2); short protein forms G40R.
Identifiers: ClinVar variation 1163067 (VCV001163067.7), dbSNP rs748399349, ClinGen allele CA7007125.
Genomic context (GRCh38, chr13:76,992,216, plus strand): 5'-GCTCGGGGACGCGCTTCCTGGTGCTGGGCCCTGGCGCTGCTTTGGCTCGCGGTGGTTCCG[G>C]GCTGGTCCCGGGTCTCGGGCATCCCCTCCCGGCGCCACTGGCCGGTGCCCTACAAGTGAG-3'
Protein context (NP_006484.2, residues 30-50): LALLWLAVVP[Gly40Arg]WSRVSGIPSR

ClinVar aggregate classification (germline): Uncertain significance. Review status: criteria provided, multiple submitters, no conflicts (2 of 4 stars). 2 submissions from 2 submitters: Uncertain significance (2). Last evaluated 2021-12-17.

Conditions:
Neuronal ceroid lipofuscinosis. Also called: Neuronal Ceroid Lipofuscinoses. Identifiers: Orphanet 216, Orphanet 79263, MedGen C0027877, MONDO:0016295. Disease mechanism: loss of function.

Allele frequency attached by ClinVar (database versions not stated): gnomAD exomes below 0.00001; TOPMed below 0.00001; ExAC 0.00001.
gnomAD v4.1: 1 of 1,600,298 alleles (0.000062%); highest among the groups gnomAD compares: Admixed American, 0.0017%; no homozygotes.

Submissions (2):

Labcorp Genetics (formerly Invitae), Labcorp
Classification: Uncertain significance for Neuronal ceroid lipofuscinosis. Last evaluated: 2021-12-17. Review status: criteria provided, single submitter. Criteria: Invitae Variant Classification Sherloc (09022015). Collection method: clinical testing. Allele origin: germline.
Comment: In summary, the available evidence is currently insufficient to determine the role of this variant in disease. Therefore, it has been classified as a Variant of Uncertain Significance. Algorithms developed to predict the effect of missense changes on protein structure and function (SIFT, PolyPhen-2, Align-GVGD) all suggest that this variant is likely to be tolerated. ClinVar contains an entry for this variant (Variation ID: 1163067). This variant has not been reported in the literature in individuals affected with CLN5-related conditions. The frequency data for this variant in the population databases is considered unreliable, as metrics indicate poor data quality at this position in the gnomAD database. This sequence change replaces glycine, which is neutral and non-polar, with arginine, which is basic and polar, at codon 89 of the CLN5 protein (p.Gly89Arg).

Mayo Clinic Laboratories, Mayo Clinic
Classification: Uncertain significance. Last evaluated: 2019-11-18. Review status: criteria provided, single submitter. Criteria: ACMG Guidelines, 2015. Collection method: clinical testing. Allele origin: germline. Observed: 1 variant allele.